The following is an entry in ClinVar:

NM_152564.5(VPS13B):c.10522G>A (p.Val3508Met)

Gene: VPS13B (vacuolar protein sorting 13 homolog B; plus strand). Cytogenetic location: 8q22.2.
Variant type: single nucleotide variant.
Coding change: c.10522G>A on transcript NM_152564.5 (MANE Select); coding-DNA position 10522, G replaced by A.
Protein change: p.Val3508Met; replaces valine 3508 with methionine.
Molecular consequence: missense variant.
Genome position (GRCh38, 1-based): chr8:99,853,911, G>A. VCF-style: chr8-99853911-G-A. GRCh37 (hg19) VCF-style: chr8-100866139-G-A.
Other names: c.10597G>A, p.Val3533Met (NM_017890.5); c.10597G>A (NM_017890.3); c.10522G>A (NM_152564.4); short protein forms V3508M, V3533M.
Identifiers: ClinVar variation 212567 (VCV000212567.9), dbSNP rs142957181, ClinGen allele CA209929.

ClinVar aggregate classification (germline): Uncertain significance. Review status: criteria provided, multiple submitters, no conflicts (2 of 4 stars). 3 submissions from 3 submitters: Uncertain significance (3). Last evaluated 2025-11-10.

Conditions:
VPS13B-related disorder. Also called: VPS13B-related condition.

Allele frequency attached by ClinVar (database versions not stated): gnomAD 0.00001 and 0.00002; gnomAD exomes 0.00001; ExAC 0.00002; TOPMed 0.00002; ESP Exome Variant Server 0.00008.
gnomAD v4.1: 11 of 1,614,086 alleles (0.00068%); highest among the groups gnomAD compares: Middle Eastern, 0.016%; no homozygotes.

Submissions (3):

PreventionGenetics, part of Exact Sciences
Classification: Uncertain significance for VPS13B-related condition. Last evaluated: 2025-11-10. Review status: criteria provided, single submitter. Criteria: ACMG Guidelines, 2015. Collection method: clinical testing. Allele origin: germline.
Comment: The VPS13B c.10522G>A variant is predicted to result in the amino acid substitution p.Val3508Met. To our knowledge, this variant has not been reported in the literature. This variant is reported in 0.0062% of alleles in individuals of African descent in gnomAD. At this time, the clinical significance of this variant is uncertain due to the absence of conclusive functional and genetic evidence.

GeneDx
Classification: Uncertain significance. Last evaluated: 2020-10-27. Review status: criteria provided, single submitter. Criteria: GeneDx Variant Classification Process June 2021. Collection method: clinical testing. Allele origin: germline. Affected: yes.
Comment: Not observed at a significant frequency in large population cohorts (Lek et al., 2016); In silico analysis supports that this missense variant does not alter protein structure/function; Has not been previously published as pathogenic or benign to our knowledge

Genetic Services Laboratory, University of Chicago
Classification: Uncertain significance. Last evaluated: 2014-06-26. Review status: criteria provided, single submitter. Criteria: ACMG Guidelines, 2015. Collection method: clinical testing. Allele origin: germline.